The following is an entry in ClinVar:

ClinVar aggregate classification (germline): Uncertain significance (1 of 4 stars; one submission).

Conditions:
Atrial fibrillation, familial, 7 (ATFB7). Identifiers: MedGen C2677106, MONDO:0012828, OMIM 612240.

Allele frequency attached by ClinVar (database versions not stated): gnomAD exomes 0.00001; ExAC 0.00009.

Submission:

Labcorp Genetics (formerly Invitae), Labcorp
Classification: Uncertain significance for Atrial fibrillation, familial, 7. Last evaluated: 2020-12-05. Review status: criteria provided, single submitter. Criteria: Invitae Variant Classification Sherloc (09022015). Collection method: clinical testing. Allele origin: germline.
Comment: This sequence change replaces glycine with aspartic acid at codon 12 of the KCNA5 protein (p.Gly12Asp). The glycine residue is weakly conserved and there is a moderate physicochemical difference between glycine and aspartic acid. In summary, the available evidence is currently insufficient to determine the role of this variant in disease. Therefore, it has been classified as a Variant of Uncertain Significance. Algorithms developed to predict the effect of missense changes on protein structure and function are either unavailable or do not agree on the potential impact of this missense change (SIFT: "Deleterious"; PolyPhen-2: "Benign"; Align-GVGD: "Class C0"). This variant has not been reported in the literature in individuals with KCNA5-related conditions. While this variant is present in population databases (rs774385439), the frequency information is unreliable, as metrics indicate poor data quality at this position in the ExAC database.

NM_002234.4(KCNA5):c.35G>A (p.Gly12Asp)

Gene: KCNA5 (potassium voltage-gated channel subfamily A member 5; plus strand). Cytogenetic location: 12p13.32.
Variant type: single nucleotide variant.
Coding change: c.35G>A on transcript NM_002234.4 (MANE Select); coding-DNA position 35, G replaced by A.
Protein change: p.Gly12Asp; replaces glycine 12 with aspartic acid.
Molecular consequence: missense variant.
Genome position (GRCh38, 1-based): chr12:5,044,182, G>A. VCF-style: chr12-5044182-G-A. GRCh37 (hg19) VCF-style: chr12-5153348-G-A.
Other names: short protein forms G12D.
Identifiers: ClinVar variation 1506184 (VCV001506184.8), dbSNP rs774385439, ClinGen allele CA6399530.